The following is an entry in ClinVar:

NM_000548.5(TSC2):c.1805A>C (p.Tyr602Ser)

Gene: TSC2 (TSC complex subunit 2; plus strand). Cytogenetic location: 16p13.3.
Variant type: single nucleotide variant.
Coding change: c.1805A>C on transcript NM_000548.5 (MANE Select); coding-DNA position 1805, A replaced by C.
Protein change: p.Tyr602Ser; replaces tyrosine 602 with serine.
Molecular consequence: missense variant. On other transcripts: non-coding transcript variant (5).
Genome position (GRCh38, 1-based): chr16:2,070,544, A>C. VCF-style: chr16-2070544-A-C. GRCh37 (hg19) VCF-style: chr16-2120545-A-C.
Other names: c.1805A>C, p.Tyr602Ser (NM_001077183.3, NM_001114382.3, NM_001363528.2 and 6 more transcripts); c.1694A>C, p.Tyr565Ser (NM_001318827.2, NM_001406678.1, NM_001406670.1); c.1658A>C, p.Tyr553Ser (NM_001318829.2, NM_001406679.1, NM_001406675.1 and 1 more transcripts); c.1205A>C, p.Tyr402Ser (NM_001318831.2, NM_001406682.1, NM_001406683.1 and 6 more transcripts); c.1838A>C, p.Tyr613Ser (NM_001318832.2); c.1748A>C, p.Tyr583Ser (NM_001406677.1); c.461A>C, p.Tyr154Ser (NM_001406696.1, NM_001406697.1, NM_001406689.1 and 6 more transcripts); c.1343A>C, p.Tyr448Ser (NM_001406681.1); and 3 more; short protein forms Y583S, Y598S, Y565S, Y632S, Y448S, Y553S, Y602S, Y154S.
Identifiers: ClinVar variation 2455348 (VCV002455348.4), dbSNP rs1596336738, ClinGen allele CA394272958.

ClinVar aggregate classification (germline): Uncertain significance. Review status: criteria provided, multiple submitters, no conflicts (2 of 4 stars). 2 submissions from 2 submitters: Uncertain significance (2). Last evaluated 2024-02-13.

Conditions:
Tuberous sclerosis 2 (TSC2). Identifiers: Orphanet 805, MedGen C1860707, MONDO:0013199, OMIM 613254.
Hereditary cancer-predisposing syndrome. Also called: Hereditary neoplastic syndrome; Tumor predisposition; Neoplastic Syndromes, Hereditary; Hereditary Cancer Syndrome. Identifiers: Orphanet 140162, MedGen C0027672, MeSH D009386, MONDO:0015356.

Submissions (2):

Labcorp Genetics (formerly Invitae), Labcorp
Classification: Uncertain significance for Tuberous sclerosis 2. Last evaluated: 2024-02-13. Review status: criteria provided, single submitter. Criteria: Invitae Variant Classification Sherloc (09022015). Collection method: clinical testing. Allele origin: germline.
Comment: This sequence change replaces tyrosine, which is neutral and polar, with serine, which is neutral and polar, at codon 602 of the TSC2 protein (p.Tyr602Ser). This variant is not present in population databases (gnomAD no frequency). This variant has not been reported in the literature in individuals affected with TSC2-related conditions. ClinVar contains an entry for this variant (Variation ID: 2455348). Advanced modeling of protein sequence and biophysical properties (such as structural, functional, and spatial information, amino acid conservation, physicochemical variation, residue mobility, and thermodynamic stability) performed at Invitae indicates that this missense variant is not expected to disrupt TSC2 protein function with a negative predictive value of 95%. In summary, the available evidence is currently insufficient to determine the role of this variant in disease. Therefore, it has been classified as a Variant of Uncertain Significance.

Ambry Genetics
Classification: Uncertain significance for Hereditary cancer-predisposing syndrome. Last evaluated: 2023-01-03. Review status: criteria provided, single submitter. Criteria: Ambry Variant Classification Scheme 2023. Collection method: clinical testing. Allele origin: germline.
Comment: The p.Y602S variant (also known as c.1805A>C), located in coding exon 16 of the TSC2 gene, results from an A to C substitution at nucleotide position 1805. The tyrosine at codon 602 is replaced by serine, an amino acid with dissimilar properties. This amino acid position is conserved. In addition, this alteration is predicted to be deleterious by in silico analysis. Since supporting evidence is limited at this time, the clinical significance of this alteration remains unclear.